The following is an entry in ClinVar:

ClinVar aggregate classification (germline): Uncertain significance (1 of 4 stars; one submission).

Conditions:
Cardiovascular phenotype. Identifiers: MedGen CN230736.

gnomAD v4.1: 2 of 1,202,841 alleles (0.00017%); highest among the groups gnomAD compares: African/African-American, 0.0035%; no homozygotes.

Submission:

Ambry Genetics
Classification: Uncertain significance for Cardiovascular phenotype. Last evaluated: 2025-12-30. Review status: criteria provided, single submitter. Criteria: Ambry Variant Classification Scheme 2023. Collection method: clinical testing. Allele origin: germline.
Comment: The p.Y1180N variant (also known as c.3538T>A), located in coding exon 26 of the DMD gene, results from a T to A substitution at nucleotide position 3538. The tyrosine at codon 1180 is replaced by asparagine, an amino acid with dissimilar properties. Based on data from gnomAD, the A allele has an overall frequency of 0.0006% (1/181643) total alleles studied, with 0 hemizygote(s) observed. The highest observed frequency was 0.0077% (1/13035) of African alleles. This amino acid position is highly conserved in available vertebrate species. In addition, the in silico prediction for this alteration is inconclusive. Based on the available evidence, the clinical significance of this variant remains unclear.

NM_004006.3(DMD):c.3538T>A (p.Tyr1180Asn)

Gene: DMD (dystrophin; minus strand). Cytogenetic location: Xp21.1.
Variant type: single nucleotide variant.
Coding change: c.3538T>A on transcript NM_004006.3 (MANE Select); coding-DNA position 3538, T replaced by A.
Protein change: p.Tyr1180Asn; replaces tyrosine 1180 with asparagine.
Molecular consequence: missense variant.
Genome position (GRCh38, 1-based): chrX:32,454,727, A>T on the plus strand (T>A on the coding strand, the complement: DMD is on the minus strand). VCF-style: chrX-32454727-A-T. GRCh37 (hg19) VCF-style: chrX-32472844-A-T.
Other names: c.3514T>A, p.Tyr1172Asn (NM_000109.4); c.3526T>A, p.Tyr1176Asn (NM_004009.3); c.3169T>A, p.Tyr1057Asn (NM_004010.3); short protein forms Y1172N, Y1057N, Y1176N, Y1180N.
Identifiers: ClinVar variation 4842497 (VCV004842497.1).
Genomic context (GRCh38, chrX:32,454,727, plus strand): 5'-TCTCTTCAACTGCTTTCTGTAATTCATCTGGAGTTTTATATTCAAAATCTCTCTCAAGAT[A>T]CTCTTCTTCAGCTTGTGTCATCCATTCGTGCATCTCTGATAGATCTTTCTGGAGGCTTAC-3'
Protein context (NP_003997.2, residues 1170-1190): HEWMTQAEEE[Tyr1180Asn]LERDFEYKTP